The following is an entry in ClinVar:

NM_000330.4(RS1):c.327-6C>A

Genes: CDKL5 (cyclin dependent kinase like 5; plus strand), RS1 (retinoschisin 1; minus strand). Cytogenetic location: Xp22.13.
Variant type: single nucleotide variant.
Coding change: c.327-6C>A on transcript NM_000330.4 (MANE Select); 6 bases into the intron before coding-DNA position 327, C replaced by A.
Molecular consequence: intron variant.
Genome position (GRCh38, 1-based): chrX:18,644,631, G>T on the plus strand (C>A on the coding strand, the complement: RS1 is on the minus strand). VCF-style: chrX-18644631-G-T. GRCh37 (hg19) VCF-style: chrX-18662751-G-T.
Other names: c.2714-1376G>T (NM_003159.3, NM_001037343.2).
Identifiers: ClinVar variation 1343823 (VCV001343823.4), dbSNP rs372728604, ClinGen allele CA2573055200.

ClinVar aggregate classification (germline): Uncertain significance. Review status: criteria provided, multiple submitters, no conflicts (2 of 4 stars). 2 submissions from 2 submitters: Uncertain significance (2). Last evaluated 2025-01-14.

Conditions:
Juvenile retinoschisis (RS1). Also called: X-linked retinoschisis; X-Linked Juvenile Retinoschisis. Identifiers: Orphanet 792, MedGen C3714753, MONDO:0010725, OMIM 312700.

Submissions (2):

GeneDx
Classification: Uncertain significance. Last evaluated: 2025-01-14. Review status: criteria provided, single submitter. Criteria: GeneDx Variant Classification Process June 2021. Collection method: clinical testing. Allele origin: germline. Affected: yes.
Comment: Not observed at significant frequency in large population cohorts (gnomAD); In silico analysis supports a deleterious effect on splicing; Identified in a patient with X-linked retinoschisis and classified as a variant of uncertain significance in published literature (PMID: 35456481); This variant is associated with the following publications: (PMID: 35456481)

Institute of Medical Genetics and Applied Genomics, University Hospital Tübingen
Classification: Uncertain significance for Juvenile retinoschisis. Last evaluated: 2022-03-15. Review status: criteria provided, single submitter. Criteria: ACMG Guidelines, 2015. Collection method: clinical testing. Allele origin: germline. Inheritance: X-linked recessive inheritance. Affected: yes.